The following is an entry in ClinVar:

NM_003458.4(BSN):c.10194C>T (p.Val3398=)

Gene: BSN (bassoon presynaptic cytomatrix protein; plus strand). Cytogenetic location: 3p21.31.
Variant type: single nucleotide variant.
Coding change: c.10194C>T on transcript NM_003458.4 (MANE Select); coding-DNA position 10194, C replaced by T.
Protein change: p.Val3398=; no amino-acid change (valine 3398 retained).
Molecular consequence: synonymous variant.
Genome position (GRCh38, 1-based): chr3:49,662,039, C>T. VCF-style: chr3-49662039-C-T. GRCh37 (hg19) VCF-style: chr3-49699472-C-T.
Identifiers: ClinVar variation 3039786 (VCV003039786.2), dbSNP rs149293113, ClinGen allele CA2401191.

ClinVar aggregate classification (germline): Likely benign (0 of 4 stars; one submission).

Conditions:
BSN-related disorder. Also called: BSN-related condition.

Allele frequency attached by ClinVar (database versions not stated): gnomAD 0.00008; TOPMed 0.00009; ESP Exome Variant Server 0.00015; ExAC 0.00022.
gnomAD v4.1: 183 of 1,613,744 alleles (0.011%); highest among the groups gnomAD compares: Middle Eastern, 0.31%; no homozygotes.

Submission:

PreventionGenetics, part of Exact Sciences
Classification: Likely benign for BSN-related condition. Last evaluated: 2019-10-28. Review status: no assertion criteria provided. Collection method: clinical testing. Allele origin: germline.
Comment: This variant is classified as likely benign based on ACMG/AMP sequence variant interpretation guidelines (Richards et al. 2015 PMID: 25741868, with internal and published modifications).